The following is an entry in ClinVar:

NM_000258.3(MYL3):c.481+5G>A

Gene: MYL3 (myosin light chain 3; minus strand). Cytogenetic location: 3p21.31.
Variant type: single nucleotide variant.
Coding change: c.481+5G>A on transcript NM_000258.3 (MANE Select); 5 bases into the intron after coding-DNA position 481, G replaced by A.
Molecular consequence: intron variant.
Genome position (GRCh38, 1-based): chr3:46,859,470, C>T on the plus strand (G>A on the coding strand, the complement: MYL3 is on the minus strand). VCF-style: chr3-46859470-C-T. GRCh37 (hg19) VCF-style: chr3-46900960-C-T.
Identifiers: ClinVar variation 571443 (VCV000571443.12), dbSNP rs1005891266, ClinGen allele CA73778083.

ClinVar aggregate classification (germline): Uncertain significance. Review status: criteria provided, multiple submitters, no conflicts (2 of 4 stars). 4 submissions from 4 submitters: Uncertain significance (4). Last evaluated 2024-04-18.

Conditions:
Cardiovascular phenotype. Identifiers: MedGen CN230736.
Cardiomyopathy (CMYO). Also called: Cardiomyopathies. Identifiers: Orphanet 167848, MedGen C0878544, MONDO:0004994, HP:0001638. Inheritance: Various modes of inheritance.
Hypertrophic cardiomyopathy. Also called: HYPERTROPHIC MYOCARDIOPATHY. Identifiers: Orphanet 217569, MedGen C0007194, MeSH D002312, MONDO:0005045, HP:0001639.

Allele frequency attached by ClinVar (database versions not stated): gnomAD 0.00003 and 0.00004; TOPMed 0.00003.

Submissions (4):

Ambry Genetics
Classification: Uncertain significance for Cardiovascular phenotype. Last evaluated: 2024-04-18. Review status: criteria provided, single submitter. Criteria: Ambry Variant Classification Scheme 2023. Collection method: clinical testing. Allele origin: germline.
Comment: The c.481+5G>A intronic variant results from a G to A substitution 5 nucleotides after coding exon 4 in the MYL3 gene. This nucleotide position is highly conserved in available vertebrate species. In silico splice site analysis predicts that this alteration may weaken the native splice donor site. Based on the available evidence, the clinical significance of this variant remains unclear.

Labcorp Genetics (formerly Invitae), Labcorp
Classification: Uncertain significance for Hypertrophic cardiomyopathy. Last evaluated: 2024-03-22. Review status: criteria provided, single submitter. Criteria: Invitae Variant Classification Sherloc (09022015). Collection method: clinical testing. Allele origin: germline.
Comment: This sequence change falls in intron 4 of the MYL3 gene. It does not directly change the encoded amino acid sequence of the MYL3 protein. It affects a nucleotide within the consensus splice site. This variant is not present in population databases (gnomAD no frequency). This variant has not been reported in the literature in individuals affected with MYL3-related conditions. ClinVar contains an entry for this variant (Variation ID: 571443). Variants that disrupt the consensus splice site are a relatively common cause of aberrant splicing (PMID: 17576681, 9536098). Algorithms developed to predict the effect of sequence changes on RNA splicing suggest that this variant may disrupt the consensus splice site. In summary, the available evidence is currently insufficient to determine the role of this variant in disease. Therefore, it has been classified as a Variant of Uncertain Significance.

All of Us Research Program, National Institutes of Health
Classification: Uncertain significance for Hypertrophic cardiomyopathy. Last evaluated: 2023-12-13. Review status: criteria provided, single submitter. Criteria: ACMG Guidelines, 2015. Collection method: clinical testing. Allele origin: germline. Inheritance: Autosomal dominant inheritance. Observed: 1 variant allele, 1 heterozygote.
Comment: This variant causes a G to A nucleotide substitution at the +5 position of intron 4 of the MYL3 gene. Splice site prediction tools predict that this variant may have a significant impact on RNA splicing. To our knowledge, functional studies have not been reported for this variant. This variant has not been reported in individuals affected with MYL3-related disorders in the literature. This variant has not been identified in the general population by the Genome Aggregation Database (gnomAD). The available evidence is insufficient to determine the role of this variant in disease conclusively. Therefore, this variant is classified as a Variant of Uncertain Significance.

This study involves interpretation of variants in research participants for the purpose of population health screening. Participant phenotype was not available at the time of variant classification. Additional details can be found in publication PMID: 35346344, PMCID: PMC8962531

Color Diagnostics, LLC DBA Color Health
Classification: Uncertain significance for Cardiomyopathy. Last evaluated: 2023-11-06. Review status: criteria provided, single submitter. Criteria: ACMG Guidelines, 2015. Collection method: clinical testing. Allele origin: germline.
Comment: This variant causes a G to A nucleotide substitution at the +5 position of intron 4 of the MYL3 gene. Splice site prediction tools predict that this variant may have a significant impact on RNA splicing. To our knowledge, functional studies have not been reported for this variant. This variant has not been reported in individuals affected with MYL3-related disorders in the literature. This variant has not been identified in the general population by the Genome Aggregation Database (gnomAD). The available evidence is insufficient to determine the role of this variant in disease conclusively. Therefore, this variant is classified as a Variant of Uncertain Significance.

Literature cited by the submitters: PubMed 17576681 (cited by Labcorp Genetics (formerly Invitae), Labcorp); PubMed 9536098 (cited by Labcorp Genetics (formerly Invitae), Labcorp).